The following is an entry in ClinVar:

NM_020975.6(RET):c.1879+3G>A

Gene: RET (ret proto-oncogene; plus strand). Cytogenetic location: 10q11.21.
Variant type: single nucleotide variant.
Coding change: c.1879+3G>A on transcript NM_020975.6 (MANE Select); 3 bases into the intron after coding-DNA position 1879, G replaced by A.
Molecular consequence: intron variant.
Genome position (GRCh38, 1-based): chr10:43,113,678, G>A. VCF-style: chr10-43113678-G-A. GRCh37 (hg19) VCF-style: chr10-43609126-G-A.
Other names: c.1879+3G>A (NM_020630.7, NM_001406743.1, NM_001406744.1 and 5 more transcripts); c.1483+3G>A (NM_001406772.1, NM_001406769.1); c.1441+3G>A (NM_001406773.1, NM_001406771.1); c.982+3G>A (NM_001406782.1, NM_001406780.1, NM_001406779.1 and 2 more transcripts); c.862+715G>A (NM_001406785.1); c.1750+3G>A (NM_001406764.1, NM_001406762.1, NM_001406761.1 and 1 more transcripts); c.1354+3G>A (NM_001406774.1); c.853+3G>A (NM_001406786.1, NM_001406783.1); and 7 more.
Identifiers: ClinVar variation 1486162 (VCV001486162.7), dbSNP rs1588873478, ClinGen allele CA1905813089.

ClinVar aggregate classification (germline): Uncertain significance. Review status: criteria provided, multiple submitters, no conflicts (2 of 4 stars). 2 submissions from 2 submitters: Uncertain significance (2). Last evaluated 2025-09-12.

Conditions:
Hereditary cancer-predisposing syndrome. Also called: Hereditary neoplastic syndrome; Neoplastic Syndromes, Hereditary; Hereditary Cancer Syndrome; Tumor predisposition. Identifiers: Orphanet 140162, MedGen C0027672, MeSH D009386, MONDO:0015356.
Multiple endocrine neoplasia, type 2 (MEN2). Identifiers: Orphanet 653, MedGen C4048306, MONDO:0019003. Disease mechanism: gain of function.

Allele frequency attached by ClinVar (database versions not stated): gnomAD exomes below 0.00001.
gnomAD v4.1: 1 of 1,613,012 alleles (0.000062%); highest among the groups gnomAD compares: Non-Finnish European, 0.000085%; no homozygotes.

Submissions (2):

Ambry Genetics
Classification: Uncertain significance for Hereditary cancer-predisposing syndrome. Last evaluated: 2025-09-12. Review status: criteria provided, single submitter. Criteria: Ambry Variant Classification Scheme 2023. Collection method: clinical testing. Allele origin: germline.
Comment: The c.1879+3G>A intronic variant results from a G to A substitution 3 nucleotides after coding exon 10 in the RET gene. This nucleotide position is not well conserved in available vertebrate species. In silico splice site analysis predicts that this alteration will not have any significant effect on splicing. Based on the available evidence, the clinical significance of this variant remains unclear.

Labcorp Genetics (formerly Invitae), Labcorp
Classification: Uncertain significance for Multiple endocrine neoplasia, type 2. Last evaluated: 2024-04-29. Review status: criteria provided, single submitter. Criteria: Invitae Variant Classification Sherloc (09022015). Collection method: clinical testing. Allele origin: germline.
Comment: This sequence change falls in intron 10 of the RET gene. It does not directly change the encoded amino acid sequence of the RET protein. It affects a nucleotide within the consensus splice site. This variant is not present in population databases (gnomAD no frequency). This variant has not been reported in the literature in individuals affected with RET-related conditions. ClinVar contains an entry for this variant (Variation ID: 1486162). Variants that disrupt the consensus splice site are a relatively common cause of aberrant splicing (PMID: 17576681, 9536098). Algorithms developed to predict the effect of sequence changes on RNA splicing suggest that this variant is not likely to affect RNA splicing. In summary, the available evidence is currently insufficient to determine the role of this variant in disease. Therefore, it has been classified as a Variant of Uncertain Significance.

Literature cited by the submitters: PubMed 17576681 (cited by Labcorp Genetics (formerly Invitae), Labcorp); PubMed 9536098 (cited by Labcorp Genetics (formerly Invitae), Labcorp).